The following is an entry in ClinVar:

NM_001267550.2(TTN):c.20327C>T (p.Ala6776Val)

Gene: TTN (titin; minus strand). Cytogenetic location: 2q31.2.
Variant type: single nucleotide variant.
Coding change: c.20327C>T on transcript NM_001267550.2 (MANE Select); coding-DNA position 20327, C replaced by T.
Protein change: p.Ala6776Val; replaces alanine 6776 with valine.
Molecular consequence: missense variant. On other transcripts: intron variant (3).
Genome position (GRCh38, 1-based): chr2:178,725,995, G>A on the plus strand (C>T on the coding strand, the complement: TTN is on the minus strand). VCF-style: chr2-178725995-G-A. GRCh37 (hg19) VCF-style: chr2-179590722-G-A.
Other names: c.19376C>T, p.Ala6459Val (NM_001256850.1); c.16595C>T, p.Ala5532Val (NM_133378.4); c.13282+12087C>T (NM_003319.4); c.13858+12087C>T (NM_133437.4); c.13657+12087C>T (NM_133432.3); short protein forms A5532V, A6776V, A6459V.
Identifiers: ClinVar variation 192018 (VCV000192018.4), dbSNP rs200031306, ClinGen allele CA238117.
Genomic context (GRCh38, chr2:178,725,995, plus strand): 5'-TTGTACCATACCACCTCAAACGGTGGTGTTCCCGAAAGTTCACATTCAAGACTGACTTCA[G>A]CATTTTTAAGGGTTTCTACTATAGGAGGGAAGCTGCTAAAAACAGGTGGCTCTGCAAAAA-3'
Protein context (NP_001254479.2, residues 6766-6786): FPPIVETLKN[Ala6776Val]EVSLECELSG

ClinVar aggregate classification (germline): Uncertain significance. Review status: criteria provided, multiple submitters, no conflicts (2 of 4 stars). 2 submissions from 2 submitters: Uncertain significance (2). Last evaluated 2020-02-11.

Allele frequency attached by ClinVar (database versions not stated): ExAC 0.00001; gnomAD 0.00001; gnomAD exomes 0.00002 and 0.00003; TOPMed 0.00002.
gnomAD v4.1: 45 of 1,598,748 alleles (0.0028%); highest among the groups gnomAD compares: Non-Finnish European, 0.0038%; no homozygotes.

Submissions (2):

Revvity Omics, Revvity
Classification: Uncertain significance. Last evaluated: 2020-02-11. Review status: criteria provided, single submitter. Criteria: ACMG Guidelines, 2015. Collection method: clinical testing. Allele origin: germline.

Biesecker Lab/Clinical Genomics Section, National Institutes of Health
Classification: Uncertain significance. Last evaluated: 2013-06-24. Review status: criteria provided, single submitter. Criteria: Ng et al. (Circ Cardiovasc Genet. 2013). Collection method: research. Allele origin: unknown. Observed: 1 variant allele. Study: ClinSeq.
Comment: The study set was not selected for affection status in relation to any cancer. Pathogenicity categories were based on literature curation. See Pubmed ID:23861362 for details.

Medical sequencing